The following is an entry in ClinVar:

ClinVar aggregate classification (germline): Benign (1 of 4 stars; one submission).

Conditions:
MELAS syndrome (MELAS). Also called: Juvenile myopathy, encephalopathy, lactic acidosis, stroke. Identifiers: Orphanet 550, MedGen C0162671, MONDO:0010789, OMIM 540000.

Submission:

Wong Mito Lab, Molecular and Human Genetics, Baylor College of Medicine
Classification: Benign for MELAS syndrome. Last evaluated: 2019-07-12. Review status: criteria provided, single submitter. Criteria: Modified ACMG Guidelines (Unpublished). Collection method: clinical testing. Allele origin: germline.
Comment: The NC_012920.1:m.15892T>C variant in MT-TT gene is interpreted to be a Benign variant based on the modified ACMG guidelines (unpublished). This variant meets the following evidence codes reported in the guidelines: BS1, BS2, BP4

Literature cited by the submitters: PubMed 31965079.

NC_012920.1(MT-TT):m.15892T>C

Gene: MT-TT (mitochondrially encoded tRNA threonine; plus strand).
Variant type: single nucleotide variant.
Genome position: chrM-15892-T-C.
Identifiers: ClinVar variation 690216 (VCV000690216.1), dbSNP rs1556424683, ClinGen allele CA913175132.